The following is an entry in ClinVar:

ClinVar aggregate classification (germline): Uncertain significance. Review status: criteria provided, multiple submitters, no conflicts (2 of 4 stars). 3 submissions from 3 submitters: Uncertain significance (3). Last evaluated 2023-03-24.

Allele frequency attached by ClinVar (database versions not stated): ESP Exome Variant Server 0.00008; gnomAD 0.00008; gnomAD exomes 0.00008; ExAC 0.00011; 1000 Genomes Project 30x 0.00016; 1000 Genomes Project 0.00020.
gnomAD v4.1: 299 of 1,586,584 alleles (0.019%); highest among the groups gnomAD compares: Non-Finnish European, 0.024%; no homozygotes.

Submissions (3):

GeneDx
Classification: Uncertain significance. Last evaluated: 2023-03-24. Review status: criteria provided, single submitter. Criteria: GeneDx Variant Classification Process June 2021. Collection method: clinical testing. Allele origin: germline. Affected: yes.
Comment: In silico analysis supports that this missense variant has a deleterious effect on protein structure/function; Has not been previously published as pathogenic or benign to our knowledge

Mayo Clinic Laboratories, Mayo Clinic
Classification: Uncertain significance. Last evaluated: 2022-09-01. Review status: criteria provided, single submitter. Criteria: ACMG Guidelines, 2015. Collection method: clinical testing. Allele origin: germline. Observed: 1 variant allele.
Comment: PP3, PM2

Labcorp Genetics (formerly Invitae), Labcorp
Classification: Uncertain significance. Last evaluated: 2022-07-08. Review status: criteria provided, single submitter. Criteria: Invitae Variant Classification Sherloc (09022015). Collection method: clinical testing. Allele origin: germline.
Comment: This sequence change replaces glutamic acid, which is acidic and polar, with lysine, which is basic and polar, at codon 157 of the TALDO1 protein (p.Glu157Lys). This variant is present in population databases (rs140952110, gnomAD 0.01%). This variant has not been reported in the literature in individuals affected with TALDO1-related conditions. ClinVar contains an entry for this variant (Variation ID: 1443853). Algorithms developed to predict the effect of missense changes on protein structure and function are either unavailable or do not agree on the potential impact of this missense change (SIFT: "Tolerated"; PolyPhen-2: "Probably Damaging"; Align-GVGD: "Class C0"). In summary, the available evidence is currently insufficient to determine the role of this variant in disease. Therefore, it has been classified as a Variant of Uncertain Significance.

NM_006755.2(TALDO1):c.469G>A (p.Glu157Lys)

Genes: TALDO1 (transaldolase 1; plus strand), LOC126861110 (CDK7 strongly-dependent group 2 enhancer GRCh37_chr11:762588-763787; plus strand). Cytogenetic location: 11p15.5.
Variant type: single nucleotide variant.
Coding change: c.469G>A on transcript NM_006755.2 (MANE Select); coding-DNA position 469, G replaced by A.
Protein change: p.Glu157Lys; replaces glutamic acid 157 with lysine.
Molecular consequence: missense variant.
Genome position (GRCh38, 1-based): chr11:763,351, G>A. VCF-style: chr11-763351-G-A. GRCh37 (hg19) VCF-style: chr11-763351-G-A.
Other names: p.Glu157Lys; c.469G>A (NM_006755.1); short protein forms E157K.
Identifiers: ClinVar variation 1443853 (VCV001443853.5), dbSNP rs140952110, ClinGen allele CA5788180.